The following is an entry in ClinVar:

NM_177438.3(DICER1):c.1196A>T (p.Glu399Val)

Gene: DICER1 (dicer 1, ribonuclease III; minus strand). Cytogenetic location: 14q32.13.
Variant type: single nucleotide variant.
Coding change: c.1196A>T on transcript NM_177438.3 (MANE Select); coding-DNA position 1196, A replaced by T.
Protein change: p.Glu399Val; replaces glutamic acid 399 with valine.
Molecular consequence: missense variant. On other transcripts: 5 prime UTR variant (1), non-coding transcript variant (6).
Genome position (GRCh38, 1-based): chr14:95,124,376, T>A on the plus strand (A>T on the coding strand, the complement: DICER1 is on the minus strand). VCF-style: chr14-95124376-T-A. GRCh37 (hg19) VCF-style: chr14-95590713-T-A.
Other names: c.1196A>T, p.Glu399Val (NM_001195573.1, NM_001271282.3, NM_001291628.2 and 15 more transcripts); c.914A>T, p.Glu305Val (NM_001395686.1); c.791A>T, p.Glu264Val (NM_001395687.1, NM_001395688.1, NM_001395689.1 and 3 more transcripts); c.629A>T, p.Glu210Val (NM_001395691.1); c.-373A>T (NM_001395697.1); short protein forms E264V, E210V, E399V, E305V.
Identifiers: ClinVar variation 1993239 (VCV001993239.4), dbSNP rs1555374703, ClinGen allele CA390886746.
Genomic context (GRCh38, chr14:95,124,376, plus strand): 5'-TCATCATCCTCAGAATCACTCCATGACACATAATTATCCTGATTTCTATTATTATACCAC[T>A]CAACGCTTTCAAACTGCTGTCGCTCATATGGTTTATATTTGCGTAAGATTTCGAGCAGTT-3'
Protein context (NP_803187.1, residues 389-409): PYERQQFESV[Glu399Val]WYNNRNQDNY

ClinVar aggregate classification (germline): Uncertain significance (1 of 4 stars; one submission).

Conditions:
DICER1-related tumor predisposition. Also called: DICER1 syndrome; DICER1-related pleuropulmonary blastoma cancer predisposition syndrome. Identifiers: Orphanet 284343, MedGen C3839822, MONDO:0100216.

Submission:

Labcorp Genetics (formerly Invitae), Labcorp
Classification: Uncertain significance for DICER1-related tumor predisposition. Last evaluated: 2022-05-12. Review status: criteria provided, single submitter. Criteria: Invitae Variant Classification Sherloc (09022015). Collection method: clinical testing. Allele origin: germline.
Comment: In summary, the available evidence is currently insufficient to determine the role of this variant in disease. Therefore, it has been classified as a Variant of Uncertain Significance. Algorithms developed to predict the effect of missense changes on protein structure and function (SIFT, PolyPhen-2, Align-GVGD) all suggest that this variant is likely to be disruptive. This variant has not been reported in the literature in individuals affected with DICER1-related conditions. This variant is not present in population databases (gnomAD no frequency). This sequence change replaces glutamic acid, which is acidic and polar, with valine, which is neutral and non-polar, at codon 399 of the DICER1 protein (p.Glu399Val).